The following is an entry in ClinVar:

ClinVar aggregate classification (germline): Uncertain significance (1 of 4 stars; one submission).

Conditions:
Fanconi anemia (FA). Also called: Fanconi's anemia. Identifiers: Orphanet 84, MedGen C0015625, MeSH D005199, MONDO:0019391.

Allele frequency attached by ClinVar (database versions not stated): gnomAD exomes below 0.00001.
gnomAD v4.1: 4 of 1,614,054 alleles (0.00025%); highest among the groups gnomAD compares: Non-Finnish European, 0.00034%; no homozygotes.

Submission:

Labcorp Genetics (formerly Invitae), Labcorp
Classification: Uncertain significance for Fanconi anemia. Last evaluated: 2021-09-01. Review status: criteria provided, single submitter. Criteria: Invitae Variant Classification Sherloc (09022015). Collection method: clinical testing. Allele origin: germline.
Comment: This sequence change falls in intron 14 of the FANCC gene. It does not directly change the encoded amino acid sequence of the FANCC protein. It affects a nucleotide within the consensus splice site of the intron. This variant is not present in population databases (ExAC no frequency). This variant has not been reported in the literature in individuals affected with FANCC-related conditions. Variants that disrupt the consensus splice site are a relatively common cause of aberrant splicing (PMID: 17576681, 9536098). Algorithms developed to predict the effect of sequence changes on RNA splicing suggest that this variant is not likely to affect RNA splicing. In summary, the available evidence is currently insufficient to determine the role of this variant in disease. Therefore, it has been classified as a Variant of Uncertain Significance.

Literature cited by the submitters: PubMed 17576681; PubMed 9536098.

NM_000136.3(FANCC):c.1533+6T>A

Genes: AOPEP (aminopeptidase O (putative); plus strand), FANCC (FA complementation group C; minus strand). Cytogenetic location: 9q22.32.
Variant type: single nucleotide variant.
Coding change: c.1533+6T>A on transcript NM_000136.3 (MANE Select); 6 bases into the intron after coding-DNA position 1533, T replaced by A.
Molecular consequence: intron variant.
Genome position (GRCh38, 1-based): chr9:95,107,060, A>T on the plus strand (T>A on the coding strand, the complement: FANCC is on the minus strand). VCF-style: chr9-95107060-A-T. GRCh37 (hg19) VCF-style: chr9-97869342-A-T.
Other names: c.1533+6T>A (NM_001243743.2).
Identifiers: ClinVar variation 1044876 (VCV001044876.6), dbSNP rs2071505631, ClinGen allele CA1865462105.